The following is an entry in ClinVar:

NM_012210.4(TRIM32):c.1087del (p.Ala363fs)

Genes: ASTN2 (astrotactin 2; minus strand), TRIM32 (tripartite motif containing 32; plus strand). Cytogenetic location: 9q33.1.
Variant type: Deletion.
Coding change: c.1087del on transcript NM_012210.4 (MANE Select); coding-DNA position 1087, one base deleted (G; older notation c.1087delG).
Protein change: p.Ala363fs; shifts the reading frame from alanine 363.
Molecular consequence: frameshift variant. On other transcripts: intron variant (3).
Genome position (GRCh38, 1-based): chr9:116,698,829, G deleted; the last of 5 consecutive G bases (chr9:116,698,825-116,698,829); deleting any one gives the same sequence. VCF-style (leftmost placement, unchanged base first): chr9-116698824-TG-T. GRCh37 (hg19) VCF-style: chr9-119461103-TG-T.
Other names: c.1087del, p.Ala363fs (NM_001099679.2, NM_001379048.1, NM_001379049.1 and 1 more transcripts); c.2653+26946del (NM_014010.5); c.2794+26946del (NM_001365069.1); c.2806+26946del (NM_001365068.1); short protein forms A363fs.
Identifiers: ClinVar variation 2870901 (VCV002870901.3), dbSNP rs1861023658, ClinGen allele CA2739265012.

ClinVar aggregate classification (germline): Pathogenic (1 of 4 stars; one submission).

Conditions:
Bardet-Biedl syndrome (BBS). Identifiers: Orphanet 110, MedGen C0752166, MONDO:0015229.

Submission:

Labcorp Genetics (formerly Invitae), Labcorp
Classification: Pathogenic for Bardet-Biedl syndrome. Last evaluated: 2022-12-16. Review status: criteria provided, single submitter. Criteria: Invitae Variant Classification Sherloc (09022015). Collection method: clinical testing. Allele origin: germline.
Comment: This sequence change creates a premature translational stop signal (p.Ala363Profs*17) in the TRIM32 gene. While this is not anticipated to result in nonsense mediated decay, it is expected to disrupt the last 291 amino acid(s) of the TRIM32 protein. This variant is not present in population databases (gnomAD no frequency). This variant has not been reported in the literature in individuals affected with TRIM32-related conditions. This variant disrupts a region of the TRIM32 protein in which other variant(s) (p.Val591Met) have been determined to be pathogenic (PMID: 30823891). This suggests that this is a clinically significant region of the protein, and that variants that disrupt it are likely to be disease-causing. For these reasons, this variant has been classified as Pathogenic.

Literature cited by the submitters: PubMed 30823891.